The following is an entry in ClinVar:

NM_001008537.3(NEXMIF):c.3055G>A (p.Asp1019Asn)

Gene: NEXMIF (neurite extension and migration factor; minus strand). Cytogenetic location: Xq13.3.
Variant type: single nucleotide variant.
Coding change: c.3055G>A on transcript NM_001008537.3 (MANE Select); coding-DNA position 3055, G replaced by A.
Protein change: p.Asp1019Asn; replaces aspartic acid 1019 with asparagine.
Molecular consequence: missense variant.
Genome position (GRCh38, 1-based): chrX:74,741,502, C>T on the plus strand (G>A on the coding strand, the complement: NEXMIF is on the minus strand). VCF-style: chrX-74741502-C-T. GRCh37 (hg19) VCF-style: chrX-73961337-C-T.
Other names: short protein forms D1019N.
Identifiers: ClinVar variation 1165598 (VCV001165598.10), dbSNP rs771299521, ClinGen allele CA10454978.

ClinVar aggregate classification (germline): Benign/Likely benign. Review status: criteria provided, multiple submitters, no conflicts (2 of 4 stars). 2 submissions from 2 submitters: Benign (1); Likely benign (1). Last evaluated 2025-05-29.

Allele frequency attached by ClinVar (database versions not stated): gnomAD exomes 0.00007 and 0.00008; ExAC 0.00015.

Submissions (2):

Women's Health and Genetics/Laboratory Corporation of America, LabCorp
Classification: Likely benign. Last evaluated: 2025-05-29. Review status: criteria provided, single submitter. Criteria: LabCorp Variant Classification Summary - May 2015. Collection method: clinical testing. Allele origin: germline.
Comment: Variant summary: NEXMIF c.3055G>A (p.Asp1019Asn) results in a conservative amino acid change in the encoded protein sequence. Algorithms developed to predict the effect of missense changes on protein structure and function are either unavailable or do not agree on the potential impact of this missense change. The variant allele was found at a frequency of 6.4e-05 in 1209423 control chromosomes, predominantly at a frequency of 0.00017 within the Other subpopulation in the gnomAD database. This includes multiple hemizygous males, suggesting the variant is a benign polymorphism. c.3055G>A has been observed in an individual affected with a neurodevelopmental disorder without evidence of causality (Wang_2020). This report does not provide unequivocal conclusions about association of the variant with Intellectual Developmental Disorder, X-Linked 98. To our knowledge, no experimental evidence demonstrating an impact on protein function has been reported. The following publication has been ascertained in the context of this evaluation (PMID: 33004838). ClinVar contains an entry for this variant (Variation ID: 1165598). Based on the evidence outlined above, the variant was classified as likely benign.

Labcorp Genetics (formerly Invitae), Labcorp
Classification: Benign. Last evaluated: 2022-09-22. Review status: criteria provided, single submitter. Criteria: Invitae Variant Classification Sherloc (09022015). Collection method: clinical testing. Allele origin: germline.

Literature cited by the submitters: PubMed 33004838 (cited by Women's Health and Genetics/Laboratory Corporation of America, LabCorp).